The following is an entry in ClinVar:

NM_001458.5(FLNC):c.2291C>G (p.Pro764Arg)

Gene: FLNC (filamin C; plus strand). Cytogenetic location: 7q32.1.
Variant type: single nucleotide variant.
Coding change: c.2291C>G on transcript NM_001458.5 (MANE Select); coding-DNA position 2291, C replaced by G.
Protein change: p.Pro764Arg; replaces proline 764 with arginine.
Molecular consequence: missense variant.
Genome position (GRCh38, 1-based): chr7:128,842,600, C>G. VCF-style: chr7-128842600-C-G. GRCh37 (hg19) VCF-style: chr7-128482654-C-G.
Other names: c.2291C>G, p.Pro764Arg (NM_001127487.2); short protein forms P764R.
Identifiers: ClinVar variation 4025609 (VCV004025609.1).
Genomic context (GRCh38, chr7:128,842,600, plus strand): 5'-GAGGGCACCACGCTGAGCTGCGACCCCTCCCGCAGGTGAACGTGGGCGAGGGCAGCCACC[C>G]CGAGCGGGTAAAGGTGTACGGCCCCGGAGTGGAGAAGACAGGCCTCAAGGCCAATGAGCC-3'
Protein context (NP_001449.3, residues 754-774): FRVNVGEGSH[Pro764Arg]ERVKVYGPGV

ClinVar aggregate classification (germline): Uncertain significance (1 of 4 stars; one submission).

Conditions:
Cardiovascular phenotype. Identifiers: MedGen CN230736.

Submission:

Ambry Genetics
Classification: Uncertain significance for Cardiovascular phenotype. Last evaluated: 2025-04-20. Review status: criteria provided, single submitter. Criteria: Ambry Variant Classification Scheme 2023. Collection method: clinical testing. Allele origin: germline.
Comment: The p.P764R variant (also known as c.2291C>G), located in coding exon 15 of the FLNC gene, results from a C to G substitution at nucleotide position 2291. The proline at codon 764 is replaced by arginine, an amino acid with dissimilar properties. This amino acid position is conserved. In addition, this alteration is predicted to be deleterious by in silico analysis. Based on the available evidence, the clinical significance of this variant remains unclear.